The following is an entry in ClinVar:

NM_000059.4(BRCA2):c.6853A>G (p.Ile2285Val)

Gene: BRCA2 (BRCA2 DNA repair associated; plus strand). Cytogenetic location: 13q13.1.
Variant type: single nucleotide variant.
Coding change: c.6853A>G on transcript NM_000059.4 (MANE Select); coding-DNA position 6853, A replaced by G.
Protein change: p.Ile2285Val; replaces isoleucine 2285 with valine.
Molecular consequence: missense variant.
Genome position (GRCh38, 1-based): chr13:32,344,569, A>G. VCF-style: chr13-32344569-A-G. GRCh37 (hg19) VCF-style: chr13-32918706-A-G.
Other names: 7081A>G; NP_000050.3:p.Ile2285Val; short protein forms I2285V.
Identifiers: ClinVar variation 38070 (VCV000038070.77), dbSNP rs56272235, ClinGen allele CA024519.

ClinVar aggregate classification (germline): Benign. Review status: reviewed by expert panel (3 of 4 stars). 32 submissions from 31 submitters: Benign (1). 31 of the submissions do not count toward it. Last evaluated 2015-08-10.

Conditions:
Breast and/or ovarian cancer. Identifiers: MedGen CN221562.
Hereditary cancer-predisposing syndrome. Also called: Neoplastic Syndromes, Hereditary; Hereditary neoplastic syndrome; Hereditary Cancer Syndrome; Tumor predisposition. Identifiers: Orphanet 140162, MedGen C0027672, MeSH D009386, MONDO:0015356.
Hereditary breast ovarian cancer syndrome. Also called: Hereditary breast and ovarian cancer syndrome (HBOC); Breast and ovarian cancer; BRCA1- and BRCA2-Associated Hereditary Breast and Ovarian Cancer; Hereditary breast and ovarian cancer syndrome; Hereditary breast and ovarian cancer; Hereditary breast and/or ovarian cancer syndrome. Identifiers: Orphanet 145, MedGen C0677776, MeSH D061325, MONDO:0003582. Disease mechanism: loss of function.
Breast-ovarian cancer, familial, susceptibility to, 2 (BROVCA2). Also called: BRCA2 Hereditary Breast and Ovarian Cancer. Identifiers: Orphanet 145, MedGen C2675520, MONDO:0012933, OMIM 612555. Disease mechanism: loss of function.
Familial cancer of breast. Also called: Hereditary breast cancer; hereditary breast carcinoma; BREAST CANCER, FAMILIAL. Identifiers: Orphanet 227535, MedGen C0346153, MONDO:0016419, OMIM 114480. Disease mechanism: loss of function.

Allele frequency attached by ClinVar (database versions not stated): TOPMed 0.00025; gnomAD exomes 0.00022 and 0.00045; gnomAD 0.00026; ESP Exome Variant Server 0.00023; ExAC 0.00029.
gnomAD v4.1: 363 of 1,545,204 alleles (0.023%); highest among the groups gnomAD compares: Middle Eastern, 0.051%; 2 homozygotes.

Submissions 1 to 24 of 32:

Evidence-based Network for the Interpretation of Germline Mutant Alleles (ENIGMA)
Classification: Benign for Breast-ovarian cancer, familial 2. Last evaluated: 2015-08-10. Review status: reviewed by expert panel. Criteria: ENIGMA BRCA1/2 Classification Criteria (2015). Collection method: curation. Allele origin: germline.
Comment: IARC class based on posterior probability from multifactorial likelihood analysis, thresholds for class as per Plon et al. 2008 (PMID: 18951446). Class 1 based on posterior probability = 0.00000000026

CeGaT Center for Human Genetics Tuebingen
Classification: Likely benign. Last evaluated: 2026-09-01. Review status: criteria provided, single submitter. Criteria: CeGaT Center For Human Genetics Tuebingen Variant Classification Criteria Version 2. Collection method: clinical testing. Allele origin: germline. Affected: yes. Observed: 23 variant alleles. Not counted in ClinVar's aggregate classification.
Comment: BRCA2: BP4, BS1

Labcorp Genetics (formerly Invitae), Labcorp
Classification: Benign for Hereditary breast ovarian cancer syndrome. Last evaluated: 2026-02-03. Review status: criteria provided, single submitter. Criteria: Invitae Variant Classification Sherloc (09022015). Collection method: clinical testing. Allele origin: germline. Not counted in ClinVar's aggregate classification.

Mayo Clinic Laboratories, Mayo Clinic
Classification: Benign. Last evaluated: 2025-07-18. Review status: criteria provided, single submitter. Criteria: ACMG Guidelines, 2015. Collection method: clinical testing. Allele origin: germline. Observed: 3 variant alleles. Not counted in ClinVar's aggregate classification.
Comment: BS1_supporting, BS3, BP1_strong, BP5_very_strong

Center for Genomic Medicine, Rigshospitalet, Copenhagen University Hospital
Classification: Benign. Last evaluated: 2025-03-04. Review status: criteria provided, single submitter. Criteria: ACMG Guidelines, 2015. Collection method: clinical testing. Allele origin: germline. Not counted in ClinVar's aggregate classification.

KCCC/NGS Laboratory, Kuwait Cancer Control Center
Classification: Benign for Familial cancer of breast. Last evaluated: 2025-02-01. Review status: criteria provided, single submitter. Criteria: ACMG Guidelines, 2015. Collection method: clinical testing. Allele origin: germline. Affected: no. Not counted in ClinVar's aggregate classification.

Blueprint Genetics
Classification: Likely benign. Last evaluated: 2024-10-02. Review status: criteria provided, single submitter. Criteria: ACMG Guidelines, 2015. Collection method: clinical testing. Allele origin: germline. Not counted in ClinVar's aggregate classification.

KCCC/NGS Laboratory, Kuwait Cancer Control Center
Classification: Benign for Breast-ovarian cancer, familial, susceptibility to, 2. Last evaluated: 2023-07-07. Review status: criteria provided, single submitter. Criteria: ACMG Guidelines, 2015. Collection method: clinical testing. Allele origin: germline. Affected: yes. Not counted in ClinVar's aggregate classification.

National Health Laboratory Service, Universitas Academic Hospital and University of the Free State
Classification: Likely benign for Hereditary breast ovarian cancer syndrome. Last evaluated: 2022-04-19. Review status: criteria provided, single submitter. Criteria: ACMG Guidelines, 2015. Collection method: clinical testing. Allele origin: germline. Affected: yes. Observed: 1 variant allele. Not counted in ClinVar's aggregate classification.

Sema4
Classification: Benign for Hereditary cancer-predisposing syndrome. Last evaluated: 2020-11-30. Review status: criteria provided, single submitter. Criteria: Sema4 Curation Guidelines. Collection method: curation. Allele origin: germline. Not counted in ClinVar's aggregate classification.

CHEO Genetics Diagnostic Laboratory, Children's Hospital of Eastern Ontario
Classification: Benign for Breast and/or ovarian cancer. Last evaluated: 2019-07-17. Review status: criteria provided, single submitter. Criteria: ACMG Guidelines, 2015. Collection method: clinical testing. Allele origin: germline. Not counted in ClinVar's aggregate classification.

Mendelics
Classification: Likely benign for Breast-ovarian cancer, familial, susceptibility to, 2. Last evaluated: 2019-05-28. Review status: criteria provided, single submitter. Criteria: Mendelics Assertion Criteria 2017. Collection method: clinical testing. Allele origin: unknown. Not counted in ClinVar's aggregate classification.

ARUP Laboratories, Molecular Genetics and Genomics, ARUP Laboratories
Classification: Benign. Last evaluated: 2018-07-31. Review status: criteria provided, single submitter. Criteria: ARUP Molecular Germline Variant Investigation Process. Collection method: clinical testing. Allele origin: germline. Not counted in ClinVar's aggregate classification.

Genetic Services Laboratory, University of Chicago
Classification: Likely benign. Last evaluated: 2018-06-07. Review status: criteria provided, single submitter. Criteria: ACMG Guidelines, 2015. Collection method: clinical testing. Allele origin: germline. Affected: no. Not counted in ClinVar's aggregate classification.

Illumina Laboratory Services, Illumina
Classification: Likely benign for Breast-ovarian cancer, familial, susceptibility to, 2. Last evaluated: 2017-04-27. Review status: criteria provided, single submitter. Criteria: ICSL Variant Classification Criteria 13 December 2019. Collection method: clinical testing. Allele origin: germline. Not counted in ClinVar's aggregate classification.
Comment: This variant was observed as part of a predisposition screen in an ostensibly healthy population. A literature search was performed for the gene, cDNA change, and amino acid change (where applicable). Publications were found based on this search. The evidence from the literature, in combination with allele frequency data from public databases where available, was sufficient to determine this variant is unlikely to cause disease. Therefore, this variant is classified as likely benign.

Molecular Genetics Laboratory, University of Michigan
Classification: Benign for Breast-ovarian cancer, familial, susceptibility to, 2. Last evaluated: 2016-04-21. Review status: criteria provided, single submitter. Criteria: ACMG Guidelines, 2015. Collection method: clinical testing. Allele origin: germline. Affected: yes. Not counted in ClinVar's aggregate classification.

Fulgent Genetics
Classification: Likely benign for Breast-ovarian cancer, familial, susceptibility to, 2. Last evaluated: 2016-02-08. Review status: criteria provided, single submitter. Criteria: ACMG Guidelines, 2015. Collection method: clinical testing. Allele origin: unknown. Not counted in ClinVar's aggregate classification.

Genomic Diagnostic Laboratory, Division of Genomic Diagnostics, Children's Hospital of Philadelphia
Classification: Benign for Hereditary Breast and Ovarian Cancer. Last evaluated: 2015-10-04. Review status: criteria provided, single submitter. Criteria: DGD Variant Analysis Guidelines. Collection method: clinical testing. Allele origin: unknown. Not counted in ClinVar's aggregate classification.

Clinical Genetics DNA and cytogenetics Diagnostics Lab, Erasmus MC, Erasmus Medical Center
Classification: Benign for Breast-ovarian cancer, familial, susceptibility to, 2. Last evaluated: 2015-09-21. Review status: criteria provided, single submitter. Criteria: ACGS Guidelines, 2013. Collection method: clinical testing. Allele origin: germline. Affected: yes. Study: VKGL Data-share Consensus. Not counted in ClinVar's aggregate classification.

Color Diagnostics, LLC DBA Color Health
Classification: Benign for Hereditary cancer-predisposing syndrome. Last evaluated: 2014-12-15. Review status: criteria provided, single submitter. Criteria: ACMG Guidelines, 2015. Collection method: clinical testing. Allele origin: germline. Not counted in ClinVar's aggregate classification.

Ambry Genetics
Classification: Benign for Hereditary cancer-predisposing syndrome. Last evaluated: 2014-11-19. Review status: criteria provided, single submitter. Criteria: Ambry Variant Classification Scheme 2023. Collection method: clinical testing. Allele origin: germline. Not counted in ClinVar's aggregate classification.

Pathway Genomics
Classification: Benign for Breast-ovarian cancer, familial 2. Last evaluated: 2014-10-30. Review status: criteria provided, single submitter. Criteria: ACMG Guidelines, 2015. Collection method: clinical testing. Allele origin: germline. Not counted in ClinVar's aggregate classification.

Genome Diagnostics Laboratory, University Medical Center Utrecht
Classification: Likely benign for Breast-ovarian cancer, familial, susceptibility to, 2. Last evaluated: 2014-10-09. Review status: criteria provided, single submitter. Criteria: ACGS Guidelines, 2013. Collection method: clinical testing. Allele origin: germline. Affected: yes. Study: VKGL Data-share Consensus. Not counted in ClinVar's aggregate classification.

Breakthrough Genomics
Classification: Benign. Review status: criteria provided, single submitter. Criteria: ACMG Guidelines, 2015. Collection method: not provided. Allele origin: germline. Inheritance: Autosomal recessive inheritance. Affected: yes. Not counted in ClinVar's aggregate classification.